The following is an entry in ClinVar:

NM_001267550.2(TTN):c.103672C>T (p.Arg34558Cys)

Genes: TTN (titin; minus strand), TTN-AS1 (TTN antisense RNA 1; plus strand). Cytogenetic location: 2q31.2.
Variant type: single nucleotide variant.
Coding change: c.103672C>T on transcript NM_001267550.2 (MANE Select); coding-DNA position 103672, C replaced by T.
Protein change: p.Arg34558Cys; replaces arginine 34558 with cysteine.
Molecular consequence: missense variant.
Genome position (GRCh38, 1-based): chr2:178,532,943, G>A on the plus strand (C>T on the coding strand, the complement: TTN is on the minus strand). VCF-style: chr2-178532943-G-A. GRCh37 (hg19) VCF-style: chr2-179397670-G-A.
Other names: c.98749C>T, p.Arg32917Cys (NM_001256850.1); c.76477C>T, p.Arg25493Cys (NM_003319.4); c.95968C>T, p.Arg31990Cys (NM_133378.4); c.76852C>T, p.Arg25618Cys (NM_133432.3); c.77053C>T, p.Arg25685Cys (NM_133437.4); short protein forms R25493C, R25618C, R25685C, R31990C, R32917C, R34558C.
Identifiers: ClinVar variation 1014774 (VCV001014774.6), dbSNP rs745743825, ClinGen allele CA1985564.

ClinVar aggregate classification (germline): Uncertain significance (1 of 4 stars; one submission).

Conditions:
Dilated cardiomyopathy 1G (CMD1G). Identifiers: Orphanet 154, MedGen C1858763, MONDO:0011400, OMIM 604145.
Autosomal recessive limb-girdle muscular dystrophy type 2J (LGMDR10). Also called: Limb-girdle muscular dystrophy, type 2J; MUSCULAR DYSTROPHY, LIMB-GIRDLE, AUTOSOMAL RECESSIVE 10. Identifiers: Orphanet 140922, MedGen C1837342, MONDO:0012127, OMIM 608807.

Allele frequency attached by ClinVar (database versions not stated): gnomAD exomes below 0.00001 and 0.00001; TOPMed below 0.00001; ExAC 0.00001; gnomAD 0.00001.
gnomAD v4.1: 7 of 1,613,746 alleles (0.00043%); highest among the groups gnomAD compares: East Asian, 0.0045%; no homozygotes.

Submission:

Labcorp Genetics (formerly Invitae), Labcorp
Classification: Uncertain significance for Dilated cardiomyopathy 1G; Autosomal recessive limb-girdle muscular dystrophy type 2J. Last evaluated: 2022-06-23. Review status: criteria provided, single submitter. Criteria: Invitae Variant Classification Sherloc (09022015). Collection method: clinical testing. Allele origin: germline.
Comment: This sequence change replaces arginine, which is basic and polar, with cysteine, which is neutral and slightly polar, at codon 34558 of the TTN protein (p.Arg34558Cys). The frequency data for this variant in the population databases is considered unreliable, as metrics indicate poor data quality at this position in the gnomAD database. This variant has not been reported in the literature in individuals affected with TTN-related conditions. ClinVar contains an entry for this variant (Variation ID: 1014774). Experimental studies and prediction algorithms are not available or were not evaluated, and the functional significance of this variant is currently unknown. This variant is located in the M band of TTN (PMID: 25589632). Variants in this region may be relevant for neuromuscular disorders, but have not been definitively shown to cause cardiomyopathy (PMID: 23975875). In summary, the available evidence is currently insufficient to determine the role of this variant in disease. Therefore, it has been classified as a Variant of Uncertain Significance.

Literature cited by the submitters: PubMed 25589632; PubMed 23975875.